The following is an entry in ClinVar:

NM_004415.4(DSP):c.2039_2040dup (p.His681fs)

Gene: DSP (desmoplakin; plus strand). Cytogenetic location: 6p24.3.
Variant type: Microsatellite.
Coding change: c.2039_2040dup on transcript NM_004415.4 (MANE Select); coding-DNA positions 2039 to 2040, 2 bases duplicated (AG; older notation c.2039_2040dupAG).
Protein change: p.His681fs; shifts the reading frame from histidine 681.
Molecular consequence: frameshift variant.
Genome position (GRCh38, 1-based): chr6:7,571,977-7,571,978, AG duplicated; duplicating any 2 consecutive bases within chr6:7,571,975-7,571,978 gives the same sequence; the c. name uses the placement nearest the transcript's 3' end. VCF-style (leftmost placement, unchanged base first): chr6-7571974-T-TAG. GRCh37 (hg19) VCF-style: chr6-7572207-T-TAG.
Other names: c.2039_2040dup, p.His681fs (NM_001008844.3, NM_001319034.2); c.2037_2038AG[3], p.His681Serfs (NM_004415.2); c.2039_2040dupAG (NM_004415.2); short protein forms H681fs.
Identifiers: ClinVar variation 5035668 (VCV005035668.1).

ClinVar aggregate classification (germline): Pathogenic (1 of 4 stars; one submission).

Conditions:
Cardiovascular phenotype. Identifiers: MedGen CN230736.

Submission:

Ambry Genetics
Classification: Pathogenic for Cardiovascular phenotype. Last evaluated: 2026-09-02. Review status: criteria provided, single submitter. Criteria: Ambry Variant Classification Scheme 2023. Collection method: clinical testing. Allele origin: germline.
Comment: The c.2039_2040dupAG pathogenic mutation, located in coding exon 15 of the DSP gene, results from a duplication of AG at nucleotide position 2039, causing a translational frameshift with a predicted alternate stop codon (p.H681Sfs*7). This variant is considered to be rare based on population cohorts in the Genome Aggregation Database (gnomAD). This alteration is expected to result in loss of function by premature protein truncation or nonsense-mediated mRNA decay. As such, this alteration is interpreted as a disease-causing mutation.